The following is an entry in ClinVar:

ClinVar aggregate classification (germline): Uncertain significance (1 of 4 stars; one submission).

Conditions:
Glycogen storage disease, type II (IOPD). Also called: Pompe Disease; CARDIOMEGALIA GLYCOGENICA DIFFUSA; GLYCOGENOSIS, GENERALIZED, CARDIAC FORM; GSD II; POMPE DISEASE, INFANTILE-ONSET; GLYCOGEN STORAGE DISEASE II, INFANTILE-ONSET. Identifiers: Orphanet 365, MedGen C0017921, MONDO:0009290, OMIM 232300.

Submission:

Genomenon, Inc
Classification: Uncertain significance for Glycogen storage disease, type II. Last evaluated: 2026-07-01. Review status: criteria provided, single submitter. Criteria: Genomenon Sequence Variant Interpretation Standards - Updated. Collection method: curation. Allele origin: germline. Affected: no.
Comment: GAA c.858+20_858+26del is a deletion variant located in intron 4. This variant has been reported in the published literature (PMID:30093709). It is absent or not present at a significant frequency in gnomAD. In silico models predict that this variant is possibly or probably damaging. In conclusion, we classify GAA c.858+20_858+26del as a variant of uncertain significance.

Literature cited by the submitters: PubMed 30093709.

NM_000152.5(GAA):c.858+20_858+26del

Gene: GAA (alpha glucosidase; plus strand). Cytogenetic location: 17q25.3.
Variant type: Deletion.
Coding change: c.858+20_858+26del on transcript NM_000152.5 (MANE Select); bases 20 to 26 of the intron after coding-DNA position 858, 7 bases deleted (GCGGGGG; older notation c.858+20_858+26delGCGGGGG).
Molecular consequence: intron variant.
Genome position (GRCh38, 1-based): chr17:80,107,742-80,107,748, GCGGGGG deleted; deleting any 7 consecutive bases within chr17:80,107,740-80,107,748 gives the same sequence; the c. name uses the placement nearest the transcript's 3' end. VCF-style (leftmost placement, unchanged base first): chr17-80107739-CGGGCGGG-C. GRCh37 (hg19) VCF-style: chr17-78081538-CGGGCGGG-C.
Other names: c.858+20_858+26del (NM_001406741.1, NM_001406742.1, NM_001079803.3 and 1 more transcripts).
Identifiers: ClinVar variation 4876424 (VCV004876424.1).